The following continues an entry in ClinVar:

NM_000059.4(BRCA2):c.9235G>A (p.Val3079Ile)

Gene: BRCA2. ClinVar aggregate classification (germline): Benign. Benign (1).

Submissions 22 to 27 of 27:

Mayo Clinic Laboratories, Mayo Clinic
Classification: Likely benign. Last evaluated: 2017-05-19. Review status: no assertion criteria provided. Collection method: clinical testing. Allele origin: unknown. Not counted in ClinVar's aggregate classification.

Counsyl
Classification: Likely benign for Breast-ovarian cancer, familial 2. Last evaluated: 2014-06-23. Review status: no assertion criteria provided. Collection method: literature only. Allele origin: unknown. Inheritance: Autosomal dominant inheritance. Not counted in ClinVar's aggregate classification.

ITMI
No classification provided. Condition: AllHighlyPenetrant. Last evaluated: 2013-09-19. Review status: no classification provided. Collection method: reference population. Allele origin: germline. Not counted in ClinVar's aggregate classification.
Comment: Please see associated publication for description of ethnicities

Sharing Clinical Reports Project (SCRP)
Classification: Likely benign for Breast-ovarian cancer, familial 2. Last evaluated: 2008-09-23. Review status: no assertion criteria provided. Collection method: clinical testing. Allele origin: germline. Not counted in ClinVar's aggregate classification.

Breast Cancer Information Core (BIC) (BRCA2)
Classification: Uncertain significance for Breast-ovarian cancer, familial 2. Last evaluated: 2002-05-29. Review status: no assertion criteria provided. Collection method: clinical testing. Allele origin: germline. Affected: yes. Observed: 22 variant alleles. Not counted in ClinVar's aggregate classification.

Department of Pathology and Laboratory Medicine, Sinai Health System
Classification: Likely benign for Malignant tumor of breast. Review status: no assertion criteria provided. Collection method: clinical testing. Allele origin: unknown. Affected: yes. Study: The Canadian Open Genetics Repository (COGR). Not counted in ClinVar's aggregate classification.
Comment: The BRCA2 p.Val3079Ile variant was identified in 1 of 4206 proband chromosomes (frequency: 0.0002) from individuals or families with breast cancer and was not identified in 1362 control chromosomes from healthy individuals (Bodian, 2014, Borg 2010). The variant was also identified in dbSNP (ID: rs55933907) as With other allele, ClinVar (classified as benign by ENIGMA, Ambry Genetics, Invitae; classified as likely benign by GeneDx, Counsyl, SCRP), Clinvitae (classified as benign by ClinVar, Invitae), LOVD 3.0 (5X predicted neutral), UMD-LSDB (11X likely neutral), BIC Database (22X with unknown significance), ARUP Laboratories ( not pathogenic or of no clinical significance ), databases. The variant was not identified in Cosmic, MutDB, Zhejiang Colon Cancer Database, databases. The variant was identified in control databases in 90 of 276464 chromosomes at a frequency of 0.000326 increasing the likelihood this could be a low frequency benign variant (Genome Aggregation Consortium Feb 27, 2017). The p.Val3079 residue is not conserved in mammals and four out of five computational analyses (PolyPhen-2, SIFT, AlignGVGD, BLOSUM, MutationTaster) do not suggest a high likelihood of impact to the protein; however, this information is not predictive enough to rule out pathogenicity. The variant occurs outside of the splicing consensus sequence and 1 of 5 in silico or computational prediction software programs (SpliceSiteFinder, MaxEntScan, NNSPLICE, GeneSplicer, HumanSpliceFinder) predict a greater than 10% difference in splicing; this is not very predictive of pathogenicity. The variant is located with the BRCA2, oligonucleotide/oligosaccharide-binding 3 Nucleic acid-binding, OB-fold Breast cancer type 2 susceptibility protein functional domains increasing the likelihood that it may have clinical significance. In addition, multifactorial probability based model for classification of BRCA1 and BRCA2 variants of uncertain significance classified the variant as neutral with posterior probability of being deleterious 2.00âˆšÃ³10-5 (Lindor 2012). In summary, based on the above information, the clinical significance of this variant cannot be determined with certainty at this time although we would lean towards a more benign role for this variant. This variant is classified as likely benign.

Literature cited by the submitters: PubMed 21990134 (cited by Evidence-based Network for the Interpretation of Germline Mutant Alleles (ENIGMA) and Illumina Laboratory Services, Illumina); DOI 10.3389/fgene.2022.834265 (cited by National Health Laboratory Service, Universitas Academic Hospital and University of the Free State); PubMed 36329109 (cited by Genetics Program, Instituto Nacional de Cancer); PubMed 20104584 (cited by Illumina Laboratory Services, Illumina and Counsyl); PubMed 22752604 (cited by Illumina Laboratory Services, Illumina and Counsyl); PubMed 24728327 (cited by Illumina Laboratory Services, Illumina and ITMI); PubMed 19491284 (cited by Illumina Laboratory Services, Illumina and Counsyl); PubMed 19043619 (cited by Illumina Laboratory Services, Illumina and Counsyl); PubMed 25782689 (cited by Illumina Laboratory Services, Illumina); PubMed 11698567 (cited by Illumina Laboratory Services, Illumina); PubMed 18284688 (cited by Illumina Laboratory Services, Illumina and Counsyl); PubMed 23231788 (cited by Ambry Genetics); PubMed 17924331 (cited by Counsyl); PubMed 23469205 (cited by Counsyl).